The following is an entry in ClinVar:

NM_022773.4(LMF1):c.1085T>G (p.Val362Gly)

Gene: LMF1 (lipase maturation factor 1; minus strand). Cytogenetic location: 16p13.3.
Variant type: single nucleotide variant.
Coding change: c.1085T>G on transcript NM_022773.4 (MANE Select); coding-DNA position 1085, T replaced by G.
Protein change: p.Val362Gly; replaces valine 362 with glycine.
Molecular consequence: missense variant. On other transcripts: non-coding transcript variant (1).
Genome position (GRCh38, 1-based): chr16:870,876, A>C on the plus strand (T>G on the coding strand, the complement: LMF1 is on the minus strand). VCF-style: chr16-870876-A-C. GRCh37 (hg19) VCF-style: chr16-920876-A-C.
Other names: c.434T>G, p.Val145Gly (NM_001352017.2, NM_001352021.2); c.686T>G, p.Val229Gly (NM_001352018.2); c.758T>G, p.Val253Gly (NM_001352019.2); c.1085T>G, p.Val362Gly (NM_001352020.1); short protein forms V253G, V362G, V145G, V229G.
Identifiers: ClinVar variation 3290935 (VCV003290935.2).

ClinVar aggregate classification (germline): Uncertain significance. Review status: criteria provided, multiple submitters, no conflicts (2 of 4 stars). 2 submissions from 2 submitters: Uncertain significance (2). Last evaluated 2025-11-02.

Conditions:
Cardiovascular phenotype. Identifiers: MedGen CN230736.
LMF1-related disorder. Also called: LMF1-related condition.

gnomAD v4.1: 152 of 1,606,878 alleles (0.0095%); highest among the groups gnomAD compares: South Asian, 0.073%; no homozygotes.

Submissions (2):

PreventionGenetics, part of Exact Sciences
Classification: Uncertain significance for LMF1-related condition. Last evaluated: 2025-11-02. Review status: criteria provided, single submitter. Criteria: ACMG Guidelines, 2015. Collection method: clinical testing. Allele origin: germline.
Comment: The LMF1 c.1085T>G variant is predicted to result in the amino acid substitution p.Val362Gly. This variant has been reported in a cohort study with hypertriglyceridemia (Table S2, Deshotels et al. 2022. PubMed ID: 36325899). This variant is reported in 0.053% of alleles in individuals of South Asian descent in gnomAD. At this time, the clinical significance of this variant is uncertain due to the absence of conclusive functional and genetic evidence.

Ambry Genetics
Classification: Uncertain significance for Cardiovascular phenotype. Last evaluated: 2024-03-25. Review status: criteria provided, single submitter. Criteria: Ambry Variant Classification Scheme 2023. Collection method: clinical testing. Allele origin: germline.